The following is an entry in ClinVar:

ClinVar aggregate classification (germline): Uncertain significance (1 of 4 stars; one submission).

Submission:

GeneDx
Classification: Uncertain significance. Last evaluated: 2024-02-08. Review status: criteria provided, single submitter. Criteria: GeneDx Variant Classification Process June 2021. Collection method: clinical testing. Allele origin: germline. Affected: yes.
Comment: Not observed at significant frequency in large population cohorts (gnomAD); In silico analysis supports that this missense variant does not alter protein structure/function; Has not been previously published as pathogenic or benign to our knowledge

NM_005751.5(AKAP9):c.3176T>G (p.Met1059Arg)

Gene: AKAP9 (A-kinase anchoring protein 9; plus strand). Cytogenetic location: 7q21.2.
Variant type: single nucleotide variant.
Coding change: c.3176T>G on transcript NM_005751.5 (MANE Select); coding-DNA position 3176, T replaced by G.
Protein change: p.Met1059Arg; replaces methionine 1059 with arginine.
Molecular consequence: missense variant.
Genome position (GRCh38, 1-based): chr7:92,003,093, T>G. VCF-style: chr7-92003093-T-G. GRCh37 (hg19) VCF-style: chr7-91632407-T-G.
Other names: c.3176T>G, p.Met1059Arg (NM_147185.3); short protein forms M1059R.
Identifiers: ClinVar variation 3368795 (VCV003368795.1).
Genomic context (GRCh38, chr7:92,003,093, plus strand): 5'-ATAAAAGTTTTGGTGAAGAATCAAAAATAATGGTGGAAGATAAAGTTTCTTTTGAAAATA[T>G]GACTGTTGGAGAAGAAAGTAAGCAAGAACAGTTGATTTTGGATCACTTACCATCTGTAAC-3'
Protein context (NP_005742.4, residues 1049-1069): MVEDKVSFEN[Met1059Arg]TVGEESKQEQ